The following is an entry in ClinVar:

NM_002354.3(EPCAM):c.164A>G (p.Asn55Ser)

Gene: EPCAM (epithelial cell adhesion molecule; plus strand). Cytogenetic location: 2p21.
Variant type: single nucleotide variant.
Coding change: c.164A>G on transcript NM_002354.3 (MANE Select); coding-DNA position 164, A replaced by G.
Protein change: p.Asn55Ser; replaces asparagine 55 with serine.
Molecular consequence: missense variant.
Genome position (GRCh38, 1-based): chr2:47,373,550, A>G. VCF-style: chr2-47373550-A-G. GRCh37 (hg19) VCF-style: chr2-47600689-A-G.
Other names: short protein forms N55S.
Identifiers: ClinVar variation 1777217 (VCV001777217.2), dbSNP rs2103745921, ClinGen allele CA346722641.
Genomic context (GRCh38, chr2:47,373,550, plus strand): 5'-CCGTAAACTGCTTTGTGAATAATAATCGTCAATGCCAGTGTACTTCAGTTGGTGCACAAA[A>G]TACTGTCATTTGCTCAAAGCGTGAGTAAAATATCCTAATTACCTGTAAGCTTTATTTTGA-3'
Protein context (NP_002345.2, residues 45-65): QCQCTSVGAQ[Asn55Ser]TVICSKLAAK

ClinVar aggregate classification (germline): Uncertain significance (1 of 4 stars; one submission).

Conditions:
Hereditary cancer-predisposing syndrome. Also called: Neoplastic Syndromes, Hereditary; Tumor predisposition; Hereditary Cancer Syndrome; Hereditary neoplastic syndrome. Identifiers: Orphanet 140162, MedGen C0027672, MeSH D009386, MONDO:0015356.

Submission:

Ambry Genetics
Classification: Uncertain significance for Hereditary cancer-predisposing syndrome. Last evaluated: 2022-02-08. Review status: criteria provided, single submitter. Criteria: Ambry Variant Classification Scheme 2023. Collection method: clinical testing. Allele origin: germline.
Comment: The p.N55S variant (also known as c.164A>G), located in coding exon 2 of the EPCAM gene, results from an A to G substitution at nucleotide position 164. The asparagine at codon 55 is replaced by serine, an amino acid with highly similar properties. This amino acid position is conserved. In addition, this alteration is predicted to be tolerated by in silico analysis. Since supporting evidence is limited at this time, the clinical significance of this alteration remains unclear.